The following is an entry in ClinVar:

ClinVar aggregate classification (germline): Conflicting classifications of pathogenicity. Review status: criteria provided, conflicting classifications (1 of 4 stars). 3 submissions from 3 submitters: Uncertain significance (1); Likely benign (2). Last evaluated 2026-06-05.

Conditions:
Cardiovascular phenotype. Identifiers: MedGen CN230736.
Long QT syndrome (LQTS). Identifiers: MedGen C0023976, MeSH D008133, MONDO:0002442. Disease mechanism: loss of function. Inheritance: Various modes of inheritance.

Allele frequency attached by ClinVar (database versions not stated): gnomAD exomes below 0.00001; gnomAD 0.00001.
gnomAD v4.1: 2 of 1,456,050 alleles (0.00014%); highest among the groups gnomAD compares: African/African-American, 0.0015%; no homozygotes.

Submissions (3):

Ambry Genetics
Classification: Uncertain significance for Cardiovascular phenotype. Last evaluated: 2026-06-05. Review status: criteria provided, single submitter. Criteria: Ambry Variant Classification Scheme 2023. Collection method: clinical testing. Allele origin: germline.
Comment: The c.699G>A variant (also known as p.A233A), located in coding exon 4 of the KCNH2 gene, results from a G to A substitution at nucleotide position 699. This nucleotide substitution does not change the alanine at codon 233. This nucleotide position is not well conserved in available vertebrate species. In silico splice site analysis for this alteration is inconclusive. Based on the available evidence, the clinical significance of this variant remains unclear.

ARUP Laboratories, Molecular Genetics and Genomics, ARUP Laboratories
Classification: Likely benign. Last evaluated: 2024-09-16. Review status: criteria provided, single submitter. Criteria: ARUP Molecular Germline Variant Investigation Process 2024. Collection method: clinical testing. Allele origin: germline.

Labcorp Genetics (formerly Invitae), Labcorp
Classification: Likely benign for Long QT syndrome. Last evaluated: 2022-01-15. Review status: criteria provided, single submitter. Criteria: Invitae Variant Classification Sherloc (09022015). Collection method: clinical testing. Allele origin: germline.

NM_000238.4(KCNH2):c.699G>A (p.Ala233=)

Gene: KCNH2 (potassium voltage-gated channel subfamily H member 2; minus strand). Cytogenetic location: 7q36.1.
Variant type: single nucleotide variant.
Coding change: c.699G>A on transcript NM_000238.4 (MANE Select); coding-DNA position 699, G replaced by A.
Protein change: p.Ala233=; no amino-acid change (alanine 233 retained).
Molecular consequence: synonymous variant. On other transcripts: non-coding transcript variant (1).
Genome position (GRCh38, 1-based): chr7:150,958,276, C>T on the plus strand (G>A on the coding strand, the complement: KCNH2 is on the minus strand). VCF-style: chr7-150958276-C-T. GRCh37 (hg19) VCF-style: chr7-150655364-C-T.
Other names: c.411G>A, p.Ala137= (NM_001406753.1, NM_001406756.1); c.522G>A, p.Ala174= (NM_001406755.1); c.399G>A, p.Ala133= (NM_001406757.1); c.699G>A, p.Ala233= (NM_172056.3).
Identifiers: ClinVar variation 456937 (VCV000456937.15), dbSNP rs1242612823, ClinGen allele CA458872234.